The following is an entry in ClinVar:

ClinVar aggregate classification (germline): Likely benign. Review status: criteria provided, multiple submitters, no conflicts (2 of 4 stars). 2 submissions from 2 submitters: Likely benign (2). Last evaluated 2018-06-14.

Allele frequency attached by ClinVar (database versions not stated): 1000 Genomes Project 0.00539; 1000 Genomes Project 30x 0.00578; gnomAD 0.01076 and 0.01129; TOPMed 0.01191.
gnomAD v4.1: 13,361 of 1,027,788 alleles (1.3%); highest among the groups gnomAD compares: Non-Finnish European, 1.6%; 103 homozygotes.

Submissions (2):

GeneDx
Classification: Likely benign. Last evaluated: 2018-06-14. Review status: criteria provided, single submitter. Criteria: GeneDx Variant Classification (06012015). Collection method: clinical testing. Allele origin: germline. Affected: yes.
Comment: This variant is considered likely benign or benign based on one or more of the following criteria: it is a conservative change, it occurs at a poorly conserved position in the protein, it is predicted to be benign by multiple in silico algorithms, and/or has population frequency not consistent with disease.

Breakthrough Genomics
Classification: Likely benign. Review status: criteria provided, single submitter. Criteria: ACMG Guidelines, 2015. Collection method: not provided. Allele origin: germline. Inheritance: Autosomal recessive inheritance. Affected: yes.

NM_130837.3(OPA1):c.2331+115G>T

Gene: OPA1 (OPA1 mitochondrial dynamin like GTPase; plus strand). Cytogenetic location: 3q29.
Variant type: single nucleotide variant.
Coding change: c.2331+115G>T on transcript NM_130837.3 (MANE Select); 115 bases into the intron after coding-DNA position 2331, G replaced by T.
Molecular consequence: intron variant.
Genome position (GRCh38, 1-based): chr3:193,657,347, G>T. VCF-style: chr3-193657347-G-T. GRCh37 (hg19) VCF-style: chr3-193375136-G-T.
Other names: c.1794+115G>T (NM_001354664.2); c.1797+115G>T (NM_001354663.2); c.2220+115G>T (NM_130834.3); c.2277+115G>T (NM_130836.3); c.2166+115G>T (NM_015560.3); c.2223+115G>T (NM_130835.3); c.2112+115G>T (NM_130832.3); c.2169+115G>T (NM_130833.3); and 1 more.
Identifiers: ClinVar variation 676598 (VCV000676598.2), dbSNP rs150732301, ClinGen allele CA90544908.